The following is an entry in ClinVar:

ClinVar aggregate classification (germline): Conflicting classifications of pathogenicity. Review status: criteria provided, conflicting classifications (1 of 4 stars). 3 submissions from 3 submitters: Uncertain significance (2); Likely benign (1). Last evaluated 2026-04-05.

Conditions:
Hereditary cancer-predisposing syndrome. Also called: Neoplastic Syndromes, Hereditary; Tumor predisposition; Hereditary Cancer Syndrome; Hereditary neoplastic syndrome. Identifiers: Orphanet 140162, MedGen C0027672, MeSH D009386, MONDO:0015356.
Chuvash polycythemia. Also called: POLYCYTHEMIA, VHL-DEPENDENT. Identifiers: Orphanet 238557, MedGen C1837915, MONDO:0009892, OMIM 263400.
Von Hippel-Lindau syndrome (VHLS). Also called: von Hippel–Lindau syndrome; Von Hippel-Lindau; VHL syndrome. Identifiers: Orphanet 892, MedGen C0019562, MONDO:0008667, OMIM 193300. Disease mechanism: loss of function.
Pheochromocytoma. Also called: MAX-Related Hereditary Paraganglioma-Pheochromocytoma Syndrome. Identifiers: Orphanet 29072, MedGen C0031511, MONDO:0008233, OMIM 171300, HP:0002666.
Nonpapillary renal cell carcinoma. Identifiers: Orphanet 422526, MedGen CN074294, MONDO:0007763, OMIM 144700.

Submissions (3):

Ambry Genetics
Classification: Likely benign for Hereditary cancer-predisposing syndrome. Last evaluated: 2026-04-05. Review status: criteria provided, single submitter. Criteria: Ambry Variant Classification Scheme 2023. Collection method: clinical testing. Allele origin: germline.

Labcorp Genetics (formerly Invitae), Labcorp
Classification: Uncertain significance for Von Hippel-Lindau syndrome; Chuvash polycythemia. Last evaluated: 2024-11-21. Review status: criteria provided, single submitter. Criteria: Invitae Variant Classification Sherloc (09022015). Collection method: clinical testing. Allele origin: germline.
Comment: This sequence change replaces aspartic acid, which is acidic and polar, with valine, which is neutral and non-polar, at codon 9 of the VHL protein (p.Asp9Val). This variant is not present in population databases (gnomAD no frequency). This variant has not been reported in the literature in individuals affected with VHL-related conditions. ClinVar contains an entry for this variant (Variation ID: 1946377). Invitae Evidence Modeling of protein sequence and biophysical properties (such as structural, functional, and spatial information, amino acid conservation, physicochemical variation, residue mobility, and thermodynamic stability) indicates that this missense variant is not expected to disrupt VHL protein function with a negative predictive value of 95%. In summary, the available evidence is currently insufficient to determine the role of this variant in disease. Therefore, it has been classified as a Variant of Uncertain Significance.

Fulgent Genetics
Classification: Uncertain significance for Nonpapillary renal cell carcinoma; Pheochromocytoma; Von Hippel-Lindau syndrome; Chuvash polycythemia. Last evaluated: 2024-01-19. Review status: criteria provided, single submitter. Criteria: ACMG Guidelines, 2015. Collection method: clinical testing. Allele origin: germline.

NM_000551.4(VHL):c.26A>T (p.Asp9Val)

Gene: VHL (von Hippel-Lindau tumor suppressor; plus strand). Cytogenetic location: 3p25.3.
Variant type: single nucleotide variant.
Coding change: c.26A>T on transcript NM_000551.4 (MANE Select); coding-DNA position 26, A replaced by T.
Protein change: p.Asp9Val; replaces aspartic acid 9 with valine.
Molecular consequence: missense variant.
Genome position (GRCh38, 1-based): chr3:10,141,873, A>T. VCF-style: chr3-10141873-A-T. GRCh37 (hg19) VCF-style: chr3-10183557-A-T.
Other names: c.26A>T, p.Asp9Val (NM_001354723.2, NM_198156.3); short protein forms D9V.
Identifiers: ClinVar variation 1946377 (VCV001946377.8), dbSNP rs1060503560, ClinGen allele CA351747079.
Genomic context (GRCh38, chr3:10,141,873, plus strand): 5'-GGCGTCCGGCCCGGGTGGTCTGGATCGCGGAGGGAATGCCCCGGAGGGCGGAGAACTGGG[A>T]CGAGGCCGAGGTAGGCGCGGAGGAGGCAGGCGTCGAAGAGTACGGCCCTGAAGAAGACGG-3'
Protein context (NP_000542.1, residues 1-19): MPRRAENW[Asp9Val]EAEVGAEEAG